The following is an entry in ClinVar:

NM_001365276.2(TNXB):c.2978T>C (p.Leu993Pro)

Gene: TNXB (tenascin XB; minus strand). Cytogenetic location: 6p21.33.
Variant type: single nucleotide variant.
Coding change: c.2978T>C on transcript NM_001365276.2 (MANE Select); coding-DNA position 2978, T replaced by C.
Protein change: p.Leu993Pro; replaces leucine 993 with proline.
Molecular consequence: missense variant.
Genome position (GRCh38, 1-based): chr6:32,085,920, A>G on the plus strand (T>C on the coding strand, the complement: TNXB is on the minus strand). VCF-style: chr6-32085920-A-G. GRCh37 (hg19) VCF-style: chr6-32053697-A-G.
Other names: c.3719T>C, p.Leu1240Pro (NM_001428335.1); c.2978T>C, p.Leu993Pro (NM_019105.8); short protein forms L1240P, L993P.
Identifiers: ClinVar variation 3227263 (VCV003227263.1), dbSNP rs2483701538, ClinGen allele CA363448744.

ClinVar aggregate classification (germline): Uncertain significance (1 of 4 stars; one submission).

Conditions:
Cardiovascular phenotype. Identifiers: MedGen CN230736.

Allele frequency attached by ClinVar (database versions not stated): gnomAD exomes below 0.00001.
gnomAD v4.1: 3 of 1,608,580 alleles (0.00019%); highest among the groups gnomAD compares: East Asian, 0.0045%; no homozygotes.

Submission:

Ambry Genetics
Classification: Uncertain significance for Cardiovascular phenotype. Last evaluated: 2023-09-15. Review status: criteria provided, single submitter. Criteria: Ambry Variant Classification Scheme 2023. Collection method: clinical testing. Allele origin: germline.
Comment: The p.L993P variant (also known as c.2978T>C), located in coding exon 6 of the TNXB gene, results from a T to C substitution at nucleotide position 2978. The leucine at codon 993 is replaced by proline, an amino acid with similar properties. This amino acid position is conserved. In addition, this alteration is predicted to be tolerated by in silico analysis. Since supporting evidence is limited at this time, the clinical significance of this alteration remains unclear.